The following is an entry in ClinVar:

NM_000334.4(SCN4A):c.2580G>A (p.Glu860=)

Genes: GH-LCR (growth hormone locus control region; plus strand), SCN4A (sodium voltage-gated channel alpha subunit 4; minus strand). Cytogenetic location: 17q23.3.
Variant type: single nucleotide variant.
Coding change: c.2580G>A on transcript NM_000334.4 (MANE Select); coding-DNA position 2580, G replaced by A.
Protein change: p.Glu860=; no amino-acid change (glutamic acid 860 retained).
Molecular consequence: synonymous variant.
Genome position (GRCh38, 1-based): chr17:63,951,697, C>T on the plus strand (G>A on the coding strand, the complement: SCN4A is on the minus strand). VCF-style: chr17-63951697-C-T. GRCh37 (hg19) VCF-style: chr17-62029057-C-T.
Identifiers: ClinVar variation 2648090 (VCV002648090.24), dbSNP rs1396834146, ClinGen allele CA501348847.
Genomic context (GRCh38, chr17:63,951,697, plus strand): 5'-CTTCTTCTCATCCTCGGGGGCAGTCTCCCCCGCCTCTCCAGCCTCCCCGGCCCCGTCAGC[C>T]TCCCCGAGGCTGAGCATGATGTCCTTGGGGCTCAGGATCTTGCCATGCAGCAGCCCCAGG-3'
Protein context (NP_000325.4, residues 850-870): SPKDIMLSLG[Glu860=]ADGAGEAGEA

ClinVar aggregate classification (germline): Likely benign (1 of 4 stars; one submission).

Allele frequency attached by ClinVar (database versions not stated): gnomAD 0.00001; TOPMed 0.00001.
gnomAD v4.1: 1 of 1,598,746 alleles (0.000063%); highest among the groups gnomAD compares: Non-Finnish European, 0.000085%; no homozygotes.

Submission:

CeGaT Center for Human Genetics Tuebingen
Classification: Likely benign. Last evaluated: 2022-09-01. Review status: criteria provided, single submitter. Criteria: CeGaT Center For Human Genetics Tuebingen Variant Classification Criteria Version 2. Collection method: clinical testing. Allele origin: germline. Affected: yes. Observed: 1 variant allele.
Comment: SCN4A: BP4, BP7